The following is an entry in ClinVar:

NM_025009.5(CEP135):c.324G>A (p.Lys108=)

Gene: CEP135 (centrosomal protein 135; plus strand). Cytogenetic location: 4q12.
Variant type: single nucleotide variant.
Coding change: c.324G>A on transcript NM_025009.5 (MANE Select); coding-DNA position 324, G replaced by A.
Protein change: p.Lys108=; no amino-acid change (lysine 108 retained).
Molecular consequence: synonymous variant.
Genome position (GRCh38, 1-based): chr4:55,954,235, G>A. VCF-style: chr4-55954235-G-A. GRCh37 (hg19) VCF-style: chr4-56820401-G-A.
Identifiers: ClinVar variation 4681779 (VCV004681779.5).
Genomic context (GRCh38, chr4:55,954,235, plus strand): 5'-CTTGATCTTTAAAACGGTCTTTGAATCTTTTTCATTTTAAGAGTTGAAAACTTCATTGAA[G>A]AAATGTGCACGTGAAACAGCTGATCTGAAATTTCTGAATAACCAATATGCTCATAAACTC-3'
Protein context (NP_079285.2, residues 98-118): QHVKELKTSL[Lys108=]KCARETADLK

ClinVar aggregate classification (germline): Likely benign (1 of 4 stars; one submission).

gnomAD v4.1: 1 of 1,591,832 alleles (0.000063%); highest among the groups gnomAD compares: Non-Finnish European, 0.000085%; no homozygotes.

Submission:

CeGaT Center for Human Genetics Tuebingen
Classification: Likely benign. Last evaluated: 2025-12-01. Review status: criteria provided, single submitter. Criteria: CeGaT Center For Human Genetics Tuebingen Variant Classification Criteria Version 2. Collection method: clinical testing. Allele origin: germline. Affected: yes. Observed: 1 variant allele.
Comment: CEP135: BP4, BP7